The following is an entry in ClinVar:

NC_000016.9:g.(?_8900163)_(8941692_?)del

Gene: PMM2 (phosphomannomutase 2; plus strand). Cytogenetic location: 16p13.2.
Variant type: Deletion.
Identifiers: ClinVar variation 2422840 (VCV002422840.2).

ClinVar aggregate classification (germline): Pathogenic (1 of 4 stars; one submission).

Conditions:
PMM2-congenital disorder of glycosylation. Also called: PMM2-CDG; CDG Ia; JAEKEN SYNDROME; PHOSPHOMANNOMUTASE 2 DEFICIENCY; CARBOHYDRATE-DEFICIENT GLYCOPROTEIN SYNDROME, TYPE Ia; Congenital disorder of glycosylation, type Ia. Identifiers: Orphanet 79318, MedGen C0349653, MONDO:0008907, OMIM 212065.

Submission:

Labcorp Genetics (formerly Invitae), Labcorp
Classification: Pathogenic for PMM2-congenital disorder of glycosylation. Last evaluated: 2022-05-16. Review status: criteria provided, single submitter. Criteria: Invitae Variant Classification Sherloc (09022015). Collection method: clinical testing. Allele origin: germline.
Comment: This variant is a gross deletion of the genomic region encompassing exon(s) 4-8 of the PMM2 gene, which includes the termination codon. This deletion extends beyond the assayed region for this gene and therefore may encompass additional genes. While this deletion is not anticipated to lead to nonsense mediated decay, it is expected to alter mRNA translation or result in a truncated protein product. This variant has not been reported in the literature in individuals affected with PMM2-related conditions. This variant disrupts a region of the PMM2 protein in which other variant(s) (p.Cys241Ser) have been determined to be pathogenic (PMID: 11156536, 11715002, 15844218, 21541725, 22012410, 25355454, 26014514). This suggests that this is a clinically significant region of the protein, and that variants that disrupt it are likely to be disease-causing. For these reasons, this variant has been classified as Pathogenic.

Literature cited by the submitters: PubMed 11156536; PubMed 11715002; PubMed 15844218; PubMed 21541725; PubMed 22012410; PubMed 25355454; PubMed 26014514.